The following is an entry in ClinVar:

ClinVar aggregate classification (germline): Likely benign (1 of 4 stars; one submission).

gnomAD v4.1: 102 of 1,613,872 alleles (0.0063%); highest among the groups gnomAD compares: Middle Eastern, 0.13%; no homozygotes.

Submission:

CeGaT Center for Human Genetics Tuebingen
Classification: Likely benign. Last evaluated: 2026-04-01. Review status: criteria provided, single submitter. Criteria: CeGaT Center For Human Genetics Tuebingen Variant Classification Criteria Version 2. Collection method: clinical testing. Allele origin: germline. Affected: yes. Observed: 1 variant allele.
Comment: TMEM163: BS2

NM_030923.5(TMEM163):c.848G>A (p.Arg283His)

Gene: TMEM163 (transmembrane protein 163; minus strand). Cytogenetic location: 2q21.3.
Variant type: single nucleotide variant.
Coding change: c.848G>A on transcript NM_030923.5 (MANE Select); coding-DNA position 848, G replaced by A.
Protein change: p.Arg283His; replaces arginine 283 with histidine.
Molecular consequence: missense variant.
Genome position (GRCh38, 1-based): chr2:134,456,738, C>T on the plus strand (G>A on the coding strand, the complement: TMEM163 is on the minus strand). VCF-style: chr2-134456738-C-T. GRCh37 (hg19) VCF-style: chr2-135214309-C-T.
Other names: short protein forms R283H.
Identifiers: ClinVar variation 4872180 (VCV004872180.2).